The following is an entry in ClinVar:

ClinVar aggregate classification (germline): Pathogenic/Likely pathogenic. Review status: criteria provided, multiple submitters, no conflicts (2 of 4 stars). 5 submissions from 5 submitters: Pathogenic (1); Likely pathogenic (4). Last evaluated 2024-11-15.

Conditions:
Epilepsy, childhood absence 4 (ECA4). Also called: EPILEPSY, CHILDHOOD ABSENCE, SUSCEPTIBILITY TO, 4. Identifiers: Orphanet 307, MedGen C1970160.
Epilepsy, idiopathic generalized, susceptibility to, 13. Also called: EPILEPSY, JUVENILE MYOCLONIC, SUSCEPTIBILITY TO, 5. Identifiers: Orphanet 307, Orphanet 64280, MedGen C4013473, MONDO:0012627, OMIM 611136.
Idiopathic generalized epilepsy. Also called: Generalised epilepsy; EIG. Identifiers: MedGen C0270850, MONDO:0005579, OMIM 600669.
Developmental and epileptic encephalopathy, 19 (DEE19). Also called: Epileptic encephalopathy, early infantile, 19. Identifiers: Orphanet 33069, MedGen C3810400, MONDO:0014328, OMIM 615744.

Allele frequency attached by ClinVar (database versions not stated): gnomAD 0.00001.
gnomAD v4.1: 1 of 1,613,678 alleles (0.000062%); highest among the groups gnomAD compares: South Asian, 0.0011%; no homozygotes.

Submissions (5):

3billion
Classification: Likely pathogenic for Developmental and epileptic encephalopathy, 19. Last evaluated: 2024-11-15. Review status: criteria provided, single submitter. Criteria: ACMG Guidelines, 2015. Collection method: clinical testing. Allele origin: germline. Affected: yes.
Comment: The variant is observed at an extremely low frequency in the gnomAD v4.1.0 dataset (total allele frequency: <0.001%). Predicted Consequence/Location: Missense variant. Missense changes are a common disease-causing mechanism. In silico tool predictions suggest damaging effect of the variant on gene or gene product [REVEL: 0.90 (>=0.6, sensitivity 0.68 and specificity 0.92); 3Cnet: 0.71 (>=0.6, sensitivity 0.72 and precision 0.9)]. The same nucleotide change resulting in the same amino acid change has been previously reported as pathogenic/likely pathogenic with strong evidence (ClinVar ID: VCV000807607 /PMID: 35937053). The variant has been previously reported as de novo in a similarly affected individual (PMID: 35937053). A different missense change at the same codon (p.Arg147Gly) has been reported to be associated with GABRA1 related disorder (ClinVar ID: VCV002130326). Therefore, this variant is classified as Likely pathogenic according to the recommendation of ACMG/AMP guideline.

Department of Genetics, Rouen University Hospital, Normandy Center for Genomic and Personalized Medicine
Classification: Likely pathogenic for Developmental and epileptic encephalopathy, 19. Last evaluated: 2024-03-21. Review status: criteria provided, single submitter. Criteria: ACMG Guidelines, 2015. Collection method: clinical testing. Allele origin: unknown. Affected: yes.

Labcorp Genetics (formerly Invitae), Labcorp
Classification: Pathogenic for Epilepsy, childhood absence 4; Epilepsy, idiopathic generalized, susceptibility to, 13; Idiopathic generalized epilepsy. Last evaluated: 2024-03-04. Review status: criteria provided, single submitter. Criteria: Invitae Variant Classification Sherloc (09022015). Collection method: clinical testing. Allele origin: germline.
Comment: This sequence change replaces arginine, which is basic and polar, with glutamine, which is neutral and polar, at codon 147 of the GABRA1 protein (p.Arg147Gln). This variant is not present in population databases (gnomAD no frequency). This missense change has been observed in individual(s) with clinical features of GABRA1-related conditions (PMID: 35937053; Invitae). In at least one individual the variant was observed to be de novo. ClinVar contains an entry for this variant (Variation ID: 807607). Advanced modeling of protein sequence and biophysical properties (such as structural, functional, and spatial information, amino acid conservation, physicochemical variation, residue mobility, and thermodynamic stability) performed at Invitae indicates that this missense variant is expected to disrupt GABRA1 protein function with a positive predictive value of 95%. For these reasons, this variant has been classified as Pathogenic.

Institute of Human Genetics, University of Leipzig Medical Center
Classification: Likely pathogenic for Developmental and epileptic encephalopathy, 19. Last evaluated: 2023-06-19. Review status: criteria provided, single submitter. Criteria: ACMG Guidelines, 2015. Collection method: clinical testing. Allele origin: de novo. Inheritance: Autosomal dominant inheritance. Affected: yes.
Comment: Criteria applied: PS2,PS4_MOD,PM2_SUP,PP2,PP3

Institute of Human Genetics Munich, TUM University Hospital
Classification: Likely pathogenic for Developmental and epileptic encephalopathy, 19. Last evaluated: 2019-08-07. Review status: criteria provided, single submitter. Criteria: Classification criteria August 2017. Collection method: clinical testing. Allele origin: de novo. Inheritance: Autosomal dominant inheritance. Affected: yes. Observed: 1 heterozygote.

Literature cited by the submitters: PubMed 35937053 (cited by 3billion and Labcorp Genetics (formerly Invitae), Labcorp).

NM_001127644.2(GABRA1):c.440G>A (p.Arg147Gln)

Gene: GABRA1 (gamma-aminobutyric acid type A receptor subunit alpha1; plus strand). Cytogenetic location: 5q34.
Variant type: single nucleotide variant.
Coding change: c.440G>A on transcript NM_001127644.2 (MANE Select); coding-DNA position 440, G replaced by A.
Protein change: p.Arg147Gln; replaces arginine 147 with glutamine.
Molecular consequence: missense variant.
Genome position (GRCh38, 1-based): chr5:161,873,301, G>A. VCF-style: chr5-161873301-G-A. GRCh37 (hg19) VCF-style: chr5-161300307-G-A.
Other names: c.440G>A, p.Arg147Gln (NM_000806.5, NM_001127643.2, NM_001127645.2 and 1 more transcripts); short protein forms R147Q.
Identifiers: ClinVar variation 807607 (VCV000807607.13), dbSNP rs1376907797, ClinGen allele CA362179086.